The following is an entry in ClinVar:

NM_001385001.1(MCTP2):c.1630C>T (p.Gln544Ter)

Gene: MCTP2 (multiple C2 and transmembrane domain containing 2; plus strand). Cytogenetic location: 15q26.2.
Variant type: single nucleotide variant.
Coding change: c.1630C>T on transcript NM_001385001.1 (MANE Select); coding-DNA position 1630, C replaced by T.
Protein change: p.Gln544Ter; replaces glutamine 544 with a stop codon.
Molecular consequence: nonsense. On other transcripts: non-coding transcript variant (7).
Genome position (GRCh38, 1-based): chr15:94,384,069, C>T. VCF-style: chr15-94384069-C-T. GRCh37 (hg19) VCF-style: chr15-94927298-C-T.
Other names: c.1630C>T, p.Gln544Ter (NM_001159643.2, NM_001385002.1, NM_001385003.1 and 5 more transcripts); c.394C>T, p.Gln132Ter (NM_001159644.2); c.1348C>T, p.Gln450Ter (NM_001385007.1); c.1132C>T, p.Gln378Ter (NM_001385009.1, NM_001385010.1); c.1312C>T, p.Gln438Ter (NM_001385011.1); short protein forms Q132*, Q378*, Q438*, Q450*, Q544*.
Identifiers: ClinVar variation 2443053 (VCV002443053.1), dbSNP rs28599939, ClinGen allele CA7750055.
Genomic context (GRCh38, chr15:94,384,069, plus strand): 5'-GTTATCTTTCCAGGGAAGAGTGACCCATTTTGCTTGTTGGAGTTAGGCAATGACCGACTT[C>T]AGACGCATACCGTCTACAAAAACCTCAACCCTGAATGGAACAAAGTTTTTACATTGTAAG-3'

ClinVar aggregate classification (germline): Uncertain significance (1 of 4 stars; one submission).

Allele frequency attached by ClinVar (database versions not stated): gnomAD exomes 0.00002; ExAC 0.00003; ESP Exome Variant Server 0.00008; gnomAD 0.00019; TOPMed 0.00025.
gnomAD v4.1: 54 of 1,613,952 alleles (0.0033%); highest among the groups gnomAD compares: African/African-American, 0.055%; no homozygotes.

Submission:

Johns Hopkins Genomics, Johns Hopkins University
Classification: Uncertain significance. Last evaluated: 2022-12-07. Review status: criteria provided, single submitter. Criteria: ACMG Guidelines, 2015. Collection method: clinical testing. Allele origin: germline.
Comment: This MCTP2 variant (rs28599939) is rare (<0.1%) in a large population dataset (gnomAD: 18/282542 total alleles; 0.006%; no homozygotes) and has not been reported in ClinVar or the literature, to our knowledge. This stopgain variant in exon 12 results in a premature termination codon (PTC) likely leading to nonsense-mediated decay and lack of protein production. Due to limited evidence supporting a gene-disease relationship between MCTP2 and congenital heart defects, we consider the clinical significance of c.1630C>T (p.Gln544Ter) to be uncertain at this time.

Literature cited by the submitters: PubMed 23773997; PubMed 34878133.